The following is an entry in ClinVar:

ClinVar aggregate classification (germline): Likely pathogenic (1 of 4 stars; one submission).

Submission:

GeneDx
Classification: Likely pathogenic. Last evaluated: 2019-01-25. Review status: criteria provided, single submitter. Criteria: GeneDx Variant Classification (06012015). Collection method: clinical testing. Allele origin: germline. Affected: yes.
Comment: The E195X variant in the FANCL gene has not been reported previously as a pathogenic variant nor as a benign variant, to our knowledge. This variant is predicted to cause loss of normal protein function either through protein truncation or nonsense-mediated mRNA decay. The E195X variant is not observed in large population cohorts (Lek et al., 2016). We interpret E195X as a likely pathogenic variant.

NM_018062.4(FANCL):c.583G>T (p.Glu195Ter)

Gene: FANCL (FA complementation group L; minus strand). Cytogenetic location: 2p16.1.
Variant type: single nucleotide variant.
Coding change: c.583G>T on transcript NM_018062.4 (MANE Select); coding-DNA position 583, G replaced by T.
Protein change: p.Glu195Ter; replaces glutamic acid 195 with a stop codon.
Molecular consequence: nonsense.
Genome position (GRCh38, 1-based): chr2:58,165,832, C>A on the plus strand (G>T on the coding strand, the complement: FANCL is on the minus strand). VCF-style: chr2-58165832-C-A. GRCh37 (hg19) VCF-style: chr2-58392967-C-A.
Other names: c.598G>T, p.Glu200Ter (NM_001114636.2); c.628G>T, p.Glu210Ter (NM_001374615.1); c.643G>T, p.Glu215Ter (NM_001410792.1); short protein forms E195*, E200*, E210*, E215*.
Identifiers: ClinVar variation 620541 (VCV000620541.1), dbSNP rs1558741321, ClinGen allele CA346937767.